The following is an entry in ClinVar:

NM_015978.3(TNNI3K):c.2269C>T (p.Arg757Trp)

Genes: FPGT-TNNI3K (FPGT-TNNI3K readthrough; plus strand), TNNI3K (TNNI3 interacting kinase; plus strand), LRRC53 (leucine rich repeat containing 53; minus strand). Cytogenetic location: 1p31.1.
Variant type: single nucleotide variant.
Coding change: c.2269C>T on transcript NM_015978.3 (MANE Select); coding-DNA position 2269, C replaced by T.
Protein change: p.Arg757Trp; replaces arginine 757 with tryptophan.
Molecular consequence: missense variant. On other transcripts: intron variant (2).
Genome position (GRCh38, 1-based): chr1:74,492,184, C>T. VCF-style: chr1-74492184-C-T. GRCh37 (hg19) VCF-style: chr1-74957868-C-T.
Other names: c.2572C>T, p.Arg858Trp (NM_001112808.3); c.-8-11216G>A (NM_001364666.2); c.-26-8809G>A (NM_001382280.1); short protein forms R858W, R757W.
Identifiers: ClinVar variation 1477156 (VCV001477156.9), dbSNP rs201798397, ClinGen allele CA909837.

ClinVar aggregate classification (germline): Uncertain significance. Review status: criteria provided, multiple submitters, no conflicts (2 of 4 stars). 3 submissions from 3 submitters: Uncertain significance (3). Last evaluated 2025-09-11.

Conditions:
Inborn genetic diseases. Identifiers: MedGen C0950123, MeSH D030342.
Atrial conduction disease. Identifiers: Orphanet 436242, MedGen CN221670, MONDO:0014500.

Allele frequency attached by ClinVar (database versions not stated): ExAC 0.00001; gnomAD 0.00001; TOPMed 0.00001; gnomAD exomes 0.00002.
gnomAD v4.1: 38 of 1,612,696 alleles (0.0024%); highest among the groups gnomAD compares: Non-Finnish European, 0.0031%; no homozygotes.

Submissions (3):

Labcorp Genetics (formerly Invitae), Labcorp
Classification: Uncertain significance. Last evaluated: 2025-09-11. Review status: criteria provided, single submitter. Criteria: Invitae Variant Classification Sherloc (09022015). Collection method: clinical testing. Allele origin: germline.
Comment: This sequence change replaces arginine, which is basic and polar, with tryptophan, which is neutral and slightly polar, at codon 757 of the TNNI3K protein (p.Arg757Trp). This variant is present in population databases (rs201798397, gnomAD 0.003%). This variant has not been reported in the literature in individuals affected with TNNI3K-related conditions. ClinVar contains an entry for this variant (Variation ID: 1477156). An algorithm developed to predict the effect of missense changes on protein structure and function (PolyPhen-2) suggests that this variant is likely to be tolerated. In summary, the available evidence is currently insufficient to determine the role of this variant in disease. Therefore, it has been classified as a Variant of Uncertain Significance.

Genome-Nilou Lab
Classification: Uncertain significance for Cardiac conduction disease with or without dilated cardiomyopathy 1. Last evaluated: 2023-04-11. Review status: criteria provided, single submitter. Criteria: ACMG Guidelines, 2015. Collection method: clinical testing. Allele origin: germline. Affected: no.

Ambry Genetics
Classification: Uncertain significance for Inborn genetic diseases. Last evaluated: 2023-02-15. Review status: criteria provided, single submitter. Criteria: Ambry Variant Classification Scheme 2023. Collection method: clinical testing. Allele origin: germline.